The following is an entry in ClinVar:

ClinVar aggregate classification (germline): Pathogenic (1 of 4 stars; one submission).

Conditions:
Inborn genetic diseases. Identifiers: MedGen C0950123, MeSH D030342.

Submission:

Ambry Genetics
Classification: Pathogenic for Inborn genetic diseases. Last evaluated: 2024-07-22. Review status: criteria provided, single submitter. Criteria: Ambry Variant Classification Scheme 2023. Collection method: clinical testing. Allele origin: germline.
Comment: The c.1187delT (p.F396Sfs*2) alteration, located in exon 12 (coding exon 12) of the DDX3X gene, consists of a deletion of one nucleotide at position 1187, causing a translational frameshift with a predicted alternate stop codon after 2 amino acids. This alteration is expected to result in loss of function by premature protein truncation or nonsense-mediated mRNA decay. This variant was not reported in population-based cohorts in the Genome Aggregation Database (gnomAD). Based on the available evidence, this alteration is classified as pathogenic.

NM_001356.5(DDX3X):c.1187del (p.Phe396fs)

Gene: DDX3X (DEAD-box helicase 3 X-linked; plus strand). Cytogenetic location: Xp11.4.
Variant type: Deletion.
Coding change: c.1187del on transcript NM_001356.5 (MANE Select); coding-DNA position 1187, one base deleted (T; older notation c.1187delT).
Protein change: p.Phe396fs; shifts the reading frame from phenylalanine 396.
Molecular consequence: frameshift variant. On other transcripts: non-coding transcript variant (1).
Genome position (GRCh38, 1-based): chrX:41,345,420, T deleted; the last of 3 consecutive T bases (chrX:41,345,418-41,345,420); deleting any one gives the same sequence. VCF-style (leftmost placement, unchanged base first): chrX-41345417-AT-A. GRCh37 (hg19) VCF-style: chrX-41204670-AT-A.
Other names: c.1187del, p.Phe396fs (NM_001193416.3); c.1139del, p.Phe380fs (NM_001193417.3); c.629del, p.Phe210fs (NM_001363819.1); short protein forms F210fs, F380fs, F396fs.
Identifiers: ClinVar variation 3500484 (VCV003500484.1).